The following is an entry in ClinVar:

ClinVar aggregate classification (germline): Uncertain significance (1 of 4 stars; one submission).

Conditions:
IRX1-related disorder. Also called: IRX1-related condition.

Allele frequency attached by ClinVar (database versions not stated): gnomAD exomes below 0.00001.
gnomAD v4.1: 7 of 1,613,672 alleles (0.00043%); highest among the groups gnomAD compares: East Asian, 0.0022%; no homozygotes.

Submission:

PreventionGenetics, part of Exact Sciences
Classification: Uncertain significance for IRX1-related condition. Last evaluated: 2022-09-01. Review status: criteria provided, single submitter. Criteria: ACMG Guidelines, 2015. Collection method: clinical testing. Allele origin: germline.
Comment: The IRX1 c.1357A>C variant is predicted to result in the amino acid substitution p.Lys453Gln. To our knowledge, this variant has not been reported in the literature. This variant is reported in 0.064% of alleles in individuals of East Asian descent in gnomAD. At this time, the clinical significance of this variant is uncertain due to the absence of conclusive functional and genetic evidence.

NM_024337.4(IRX1):c.1357A>C (p.Lys453Gln)

Gene: IRX1 (iroquois homeobox 1; plus strand). Cytogenetic location: 5p15.33.
Variant type: single nucleotide variant.
Coding change: c.1357A>C on transcript NM_024337.4 (MANE Select); coding-DNA position 1357, A replaced by C.
Protein change: p.Lys453Gln; replaces lysine 453 with glutamine.
Molecular consequence: missense variant.
Genome position (GRCh38, 1-based): chr5:3,600,653, A>C. VCF-style: chr5-3600653-A-C. GRCh37 (hg19) VCF-style: chr5-3600767-A-C.
Other names: short protein forms K453Q.
Identifiers: ClinVar variation 2634341 (VCV002634341.1), dbSNP rs1223077677, ClinGen allele CA359100669.